The following is an entry in ClinVar:

ClinVar aggregate classification (germline): Likely pathogenic (1 of 4 stars; one submission).

Submission:

Genetics Laboratory, UDIAT-Centre Diagnòstic, Hospital Universitari Parc Tauli
Classification: Likely pathogenic. Last evaluated: 2021-04-26. Review status: criteria provided, single submitter. Criteria: Parc Tauli Hospital Assertion Criteria 2021. Collection method: clinical testing. Allele origin: de novo. Inheritance: Autosomal dominant inheritance. Affected: yes. Observed: 1 heterozygote.
Comment: PVS1_strong;PM2_supporting;PM6_moderate

NM_000834.5(GRIN2B):c.2825del (p.Thr942fs)

Gene: GRIN2B (glutamate ionotropic receptor NMDA type subunit 2B; minus strand). Cytogenetic location: 12p13.1.
Variant type: Deletion.
Coding change: c.2825del on transcript NM_000834.5 (MANE Select); coding-DNA position 2825, one base deleted (C; older notation c.2825delC).
Protein change: p.Thr942fs; shifts the reading frame from threonine 942.
Molecular consequence: frameshift variant.
Genome position (GRCh38, 1-based): chr12:13,564,413, G deleted on the plus strand (C on the coding strand, the reverse complement: GRIN2B is on the minus strand). VCF-style (leftmost placement, unchanged base first): chr12-13564412-CG-C. GRCh37 (hg19) VCF-style: chr12-13717346-CG-C.
Other names: short protein forms T942fs.
Identifiers: ClinVar variation 1098380 (VCV001098380.2), dbSNP rs2136406056, ClinGen allele CA2499221565.